The following is an entry in ClinVar:

NM_001105206.3(LAMA4):c.4327G>A (p.Ala1443Thr)

Gene: LAMA4 (laminin subunit alpha 4; minus strand). Cytogenetic location: 6q21.
Variant type: single nucleotide variant.
Coding change: c.4327G>A on transcript NM_001105206.3 (MANE Select); coding-DNA position 4327, G replaced by A.
Protein change: p.Ala1443Thr; replaces alanine 1443 with threonine.
Molecular consequence: missense variant.
Genome position (GRCh38, 1-based): chr6:112,122,162, C>T on the plus strand (G>A on the coding strand, the complement: LAMA4 is on the minus strand). VCF-style: chr6-112122162-C-T. GRCh37 (hg19) VCF-style: chr6-112443365-C-T.
Other names: c.4306G>A, p.Ala1436Thr (NM_001105207.3, NM_002290.5); short protein forms A1436T, A1443T.
Identifiers: ClinVar variation 3222049 (VCV003222049.1), dbSNP rs2546980504, ClinGen allele CA365371244.
Genomic context (GRCh38, chr6:112,122,162, plus strand): 5'-GGCTGTTGGAAAGGTGGCAATGAGAGTTTCTTGGAGTATTCCGCTCTGGGAGTTTCAGAG[C>T]AACAGGATCCCATGAAGGTGCATCTTTACTTTTCCCTCCCTATAAAAGTAAACCAAATTA-3'
Protein context (NP_001098676.2, residues 1433-1453): SKDAPSWDPV[Ala1443Thr]LKLPERNTPR

ClinVar aggregate classification (germline): Uncertain significance (1 of 4 stars; one submission).

Conditions:
Cardiovascular phenotype. Identifiers: MedGen CN230736.

Submission:

Ambry Genetics
Classification: Uncertain significance for Cardiovascular phenotype. Last evaluated: 2023-10-12. Review status: criteria provided, single submitter. Criteria: Ambry Variant Classification Scheme 2023. Collection method: clinical testing. Allele origin: germline.
Comment: The p.A1436T variant (also known as c.4306G>A), located in coding exon 31 of the LAMA4 gene, results from a G to A substitution at nucleotide position 4306. The alanine at codon 1436 is replaced by threonine, an amino acid with similar properties. This amino acid position is conserved. In addition, this alteration is predicted to be tolerated by in silico analysis. Since supporting evidence is limited at this time, the clinical significance of this alteration remains unclear.